The following is an entry in ClinVar:

ClinVar aggregate classification (germline): Likely pathogenic (1 of 4 stars; one submission).

Conditions:
Deficiency of 2-methylbutyryl-CoA dehydrogenase (ACADSB). Also called: 2-methylbutyrylglycinuria; 2-methylbutyryl-CoA dehydrogenase deficiency; SBCAD deficiency; 2-methylbutyric aciduria; Short branched-chain acyl-CoA dehydrogenase deficiency. Identifiers: Orphanet 79157, MedGen C1864912, MONDO:0012392, OMIM 610006, HP:0020147.

Submission:

Juno Genomics, Hangzhou Juno Genomics, Inc
Classification: Likely pathogenic for Deficiency of 2-methylbutyryl-CoA dehydrogenase. Review status: criteria provided, single submitter. Criteria: ACMG Guidelines, 2015. Collection method: clinical testing. Allele origin: germline.
Comment: Absent from controls (or at extremely low frequency if recessive) in Genome Aggregation Database.;Null variant in a gene where loss of function (LOF) is a known mechanism of disease.

NM_001609.4(ACADSB):c.1043del (p.Leu348fs)

Gene: ACADSB (acyl-CoA dehydrogenase short/branched chain; plus strand). Cytogenetic location: 10q26.13.
Variant type: Deletion.
Coding change: c.1043del on transcript NM_001609.4 (MANE Select); coding-DNA position 1043, one base deleted (T; older notation c.1043delT).
Protein change: p.Leu348fs; shifts the reading frame from leucine 348.
Molecular consequence: frameshift variant.
Genome position (GRCh38, 1-based): chr10:123,051,101, T deleted; the last of 2 consecutive T bases (chr10:123,051,100-123,051,101); deleting either gives the same sequence. VCF-style (leftmost placement, unchanged base first): chr10-123051099-AT-A. GRCh37 (hg19) VCF-style: chr10-124810615-AT-A.
Other names: c.737del, p.Leu246fs (NM_001330174.3); short protein forms L246fs, L348fs.
Identifiers: ClinVar variation 5019424 (VCV005019424.2).